The following is an entry in ClinVar:

NM_014727.3(KMT2B):c.668C>G (p.Pro223Arg)

Gene: KMT2B (lysine methyltransferase 2B; plus strand). Cytogenetic location: 19q13.12.
Variant type: single nucleotide variant.
Coding change: c.668C>G on transcript NM_014727.3 (MANE Select); coding-DNA position 668, C replaced by G.
Protein change: p.Pro223Arg; replaces proline 223 with arginine.
Molecular consequence: missense variant.
Genome position (GRCh38, 1-based): chr19:35,720,015, C>G. VCF-style: chr19-35720015-C-G. GRCh37 (hg19) VCF-style: chr19-36210917-C-G.
Other names: short protein forms P223R.
Identifiers: ClinVar variation 1941555 (VCV001941555.5), dbSNP rs2146434130, ClinGen allele CA405380113.

ClinVar aggregate classification (germline): Uncertain significance (1 of 4 stars; one submission).

Submission:

Labcorp Genetics (formerly Invitae), Labcorp
Classification: Uncertain significance. Last evaluated: 2022-01-01. Review status: criteria provided, single submitter. Criteria: Invitae Variant Classification Sherloc (09022015). Collection method: clinical testing. Allele origin: germline.
Comment: In summary, the available evidence is currently insufficient to determine the role of this variant in disease. Therefore, it has been classified as a Variant of Uncertain Significance. Algorithms developed to predict the effect of missense changes on protein structure and function are either unavailable or do not agree on the potential impact of this missense change (SIFT: "Tolerated"; PolyPhen-2: "Not Available"; Align-GVGD: "Class C0"). This variant has not been reported in the literature in individuals affected with KMT2B-related conditions. This variant is not present in population databases (gnomAD no frequency). This sequence change replaces proline, which is neutral and non-polar, with arginine, which is basic and polar, at codon 223 of the KMT2B protein (p.Pro223Arg).